The following is an entry in ClinVar:

NM_003640.5(ELP1):c.2225T>C (p.Phe742Ser)

Gene: ELP1 (elongator acetyltransferase complex subunit 1; minus strand). Cytogenetic location: 9q31.3.
Variant type: single nucleotide variant.
Coding change: c.2225T>C on transcript NM_003640.5 (MANE Select); coding-DNA position 2225, T replaced by C.
Protein change: p.Phe742Ser; replaces phenylalanine 742 with serine.
Molecular consequence: missense variant.
Genome position (GRCh38, 1-based): chr9:108,898,729, A>G on the plus strand (T>C on the coding strand, the complement: ELP1 is on the minus strand). VCF-style: chr9-108898729-A-G. GRCh37 (hg19) VCF-style: chr9-111661009-A-G.
Other names: c.1883T>C, p.Phe628Ser (NM_001318360.2); c.1178T>C, p.Phe393Ser (NM_001330749.2); short protein forms F393S, F742S, F628S.
Identifiers: ClinVar variation 3707712 (VCV003707712.1).

ClinVar aggregate classification (germline): Uncertain significance (1 of 4 stars; one submission).

gnomAD v4.1: 3 of 1,611,642 alleles (0.00019%); highest among the groups gnomAD compares: Non-Finnish European, 0.00025%; no homozygotes.

Submission:

Labcorp Genetics (formerly Invitae), Labcorp
Classification: Uncertain significance. Last evaluated: 2024-11-18. Review status: criteria provided, single submitter. Criteria: Invitae Variant Classification Sherloc (09022015). Collection method: clinical testing. Allele origin: germline.
Comment: This sequence change replaces phenylalanine, which is neutral and non-polar, with serine, which is neutral and polar, at codon 742 of the ELP1 protein (p.Phe742Ser). This variant is present in population databases (no rsID available, gnomAD 0.0009%). This variant has not been reported in the literature in individuals affected with ELP1-related conditions. Invitae Evidence Modeling of protein sequence and biophysical properties (such as structural, functional, and spatial information, amino acid conservation, physicochemical variation, residue mobility, and thermodynamic stability) indicates that this missense variant is expected to disrupt ELP1 protein function with a positive predictive value of 80%. In summary, the available evidence is currently insufficient to determine the role of this variant in disease. Therefore, it has been classified as a Variant of Uncertain Significance.